The following is an entry in ClinVar:

ClinVar aggregate classification (germline): Uncertain significance. Review status: criteria provided, multiple submitters, no conflicts (2 of 4 stars). 4 submissions from 4 submitters: Uncertain significance (4). Last evaluated 2026-02-24.

Conditions:
Marfan syndrome (MFS). Also called: Marfan syndrome type 1; Marfan's syndrome; FBN1-Related Marfan Syndrome; MARFAN SYNDROME, TYPE I; Marfan syndrome, classic. Identifiers: Orphanet 284963, Orphanet 558, MedGen C0024796, MONDO:0007947, OMIM 154700.
Familial thoracic aortic aneurysm and aortic dissection (TAAD). Also called: Thoracic aortic aneurysms and dissections. Identifiers: Orphanet 91387, MedGen C4707243, MONDO:0019625.

Submissions (4):

Ambry Genetics
Classification: Uncertain significance for Familial thoracic aortic aneurysm and aortic dissection. Last evaluated: 2026-02-24. Review status: criteria provided, single submitter. Criteria: Ambry Variant Classification Scheme 2023. Collection method: clinical testing. Allele origin: germline.

Color Diagnostics, LLC DBA Color Health
Classification: Uncertain significance for Familial thoracic aortic aneurysm and aortic dissection. Last evaluated: 2025-09-22. Review status: criteria provided, single submitter. Criteria: ACMG Guidelines, 2015. Collection method: clinical testing. Allele origin: germline.
Comment: This missense variant replaces threonine with alanine at codon 759 of the FBN1 protein. Computational prediction suggests that this variant may not impact protein structure and function. To our knowledge, functional studies have not been reported for this variant. This variant has not been reported in individuals affected with FBN1-related disorders in the literature. This variant has not been identified in the general population by the Genome Aggregation Database (gnomAD). The available evidence is insufficient to determine the role of this variant in disease conclusively. Therefore, this variant is classified as a Variant of Uncertain Significance.

GeneDx
Classification: Uncertain significance. Last evaluated: 2025-03-11. Review status: criteria provided, single submitter. Criteria: GeneDx Variant Classification Process June 2021. Collection method: clinical testing. Allele origin: germline. Affected: yes.
Comment: Not observed at significant frequency in large population cohorts (gnomAD); In silico analysis indicates that this missense variant does not alter protein structure/function; Has not been previously published as pathogenic or benign to our knowledge; Does not affect a cysteine or calcium-binding residue within an EGF-like domain or a TGF-binding protein domain of the FBN1 gene; cysteine substitutions in the EGF-like domains represent the majority of pathogenic missense changes associated with FBN1-related disorders (PMID: 12938084); This variant is associated with the following publications: (PMID: 12938084)

Labcorp Genetics (formerly Invitae), Labcorp
Classification: Uncertain significance for Marfan syndrome; Familial thoracic aortic aneurysm and aortic dissection. Last evaluated: 2022-01-14. Review status: criteria provided, single submitter. Criteria: Invitae Variant Classification Sherloc (09022015). Collection method: clinical testing. Allele origin: germline.
Comment: In summary, the available evidence is currently insufficient to determine the role of this variant in disease. Therefore, it has been classified as a Variant of Uncertain Significance. Advanced modeling of protein sequence and biophysical properties (such as structural, functional, and spatial information, amino acid conservation, physicochemical variation, residue mobility, and thermodynamic stability) performed at Invitae indicates that this missense variant is not expected to disrupt FBN1 protein function. This variant has not been reported in the literature in individuals affected with FBN1-related conditions. This variant is not present in population databases (gnomAD no frequency). This sequence change replaces threonine, which is neutral and polar, with alanine, which is neutral and non-polar, at codon 759 of the FBN1 protein (p.Thr759Ala).

NM_000138.5(FBN1):c.2275A>G (p.Thr759Ala)

Gene: FBN1 (fibrillin 1; minus strand). Cytogenetic location: 15q21.1.
Variant type: single nucleotide variant.
Coding change: c.2275A>G on transcript NM_000138.5 (MANE Select); coding-DNA position 2275, A replaced by G.
Protein change: p.Thr759Ala; replaces threonine 759 with alanine.
Molecular consequence: missense variant.
Genome position (GRCh38, 1-based): chr15:48,497,284, T>C on the plus strand (A>G on the coding strand, the complement: FBN1 is on the minus strand). VCF-style: chr15-48497284-T-C. GRCh37 (hg19) VCF-style: chr15-48789481-T-C.
Other names: c.2275A>G (NM_000138.4); short protein forms T759A.
Identifiers: ClinVar variation 1351666 (VCV001351666.11), dbSNP rs2141306342, ClinGen allele CA392335616.